The following is an entry in ClinVar:

NM_004993.6(ATXN3):c.492C>T (p.Val164=)

Gene: ATXN3 (ataxin 3; minus strand). Cytogenetic location: 14q32.12.
Variant type: single nucleotide variant.
Coding change: c.492C>T on transcript NM_004993.6 (MANE Select); coding-DNA position 492, C replaced by T.
Protein change: p.Val164=; no amino-acid change (valine 164 retained).
Molecular consequence: synonymous variant. On other transcripts: 5 prime UTR variant (1), non-coding transcript variant (13), intron variant (5).
Genome position (GRCh38, 1-based): chr14:92,083,242, G>A on the plus strand (C>T on the coding strand, the complement: ATXN3 is on the minus strand). VCF-style: chr14-92083242-G-A. GRCh37 (hg19) VCF-style: chr14-92549586-G-A.
Other names: c.447C>T, p.Val149= (NM_001127696.2); c.339C>T, p.Val113= (NM_001127697.3); c.129C>T, p.Val43= (NM_001164779.2); c.-46C>T (NM_001164780.2); c.282C>T, p.Val94= (NM_001164781.2); c.327C>T, p.Val109= (NM_030660.5); c.25-12189C>T (NM_001164782.2); c.70-12189C>T (NM_001164777.2); and 3 more.
Identifiers: ClinVar variation 128510 (VCV000128510.9), dbSNP rs16999141, ClinGen allele CA152003.

ClinVar aggregate classification (germline): Benign. Review status: criteria provided, single submitter (1 of 4 stars). 3 submissions from 3 submitters: Benign (1). 2 of the submissions do not count toward it.

Conditions:
ATXN3-related disorder. Also called: ATXN3-related condition.

Allele frequency attached by ClinVar (database versions not stated): gnomAD exomes 0.49463; gnomAD 0.53608 and 0.53657; ExAC 0.50276; TOPMed 0.53679; ESP Exome Variant Server 0.54160; 1000 Genomes Project 30x 0.56590; 1000 Genomes Project 0.56669.
gnomAD v4.1: 794,534 of 1,608,028 alleles (49%); highest among the groups gnomAD compares: African/African-American, 69%; 199,485 homozygotes.

Submissions (3):

Breakthrough Genomics
Classification: Benign. Review status: criteria provided, single submitter. Criteria: ACMG Guidelines, 2015. Collection method: not provided. Allele origin: germline. Inheritance: Autosomal dominant inheritance. Affected: yes.

PreventionGenetics, part of Exact Sciences
Classification: Benign for ATXN3-related condition. Last evaluated: 2019-09-24. Review status: no assertion criteria provided. Collection method: clinical testing. Allele origin: germline. Not counted in ClinVar's aggregate classification.
Comment: This variant is classified as benign based on ACMG/AMP sequence variant interpretation guidelines (Richards et al. 2015 PMID: 25741868, with internal and published modifications).

Genetic Services Laboratory, University of Chicago
Classification: Likely benign for AllHighlyPenetrant. Review status: no assertion criteria provided. Collection method: clinical testing. Allele origin: germline. Inheritance: Autosomal dominant inheritance. Not counted in ClinVar's aggregate classification.
Comment: Likely benign based on allele frequency in 1000 Genomes Project or ESP global frequency and its presence in a patient with a rare or unrelated disease phenotype. NOT Sanger confirmed.